The following is an entry in ClinVar:

ClinVar aggregate classification (germline): Uncertain significance. Review status: criteria provided, multiple submitters, no conflicts (2 of 4 stars). 11 submissions from 9 submitters: Uncertain significance (9). 2 of the submissions do not count toward it. Last evaluated 2025-09-01.

Conditions:
Juvenile amyotrophic lateral sclerosis (JALS). Also called: Juvenile Amyotrophic Lateral Sclerosis (JALS). Identifiers: Orphanet 300605, MedGen C3468114, MONDO:0017593.
Hereditary spastic paraplegia 11. Also called: Spastic Paraplegia 11; SPASTIC PARAPLEGIA, AUTOSOMAL RECESSIVE, COMPLICATED, WITH THIN CORPUS CALLOSUM; SPASTIC PARAPLEGIA, AUTOSOMAL RECESSIVE, WITH MENTAL IMPAIRMENT AND THIN CORPUS CALLOSUM; Nakamura Osame syndrome; Autosomal recessive hereditary spastic paraplegia, mental impairment, and thin corpus callosum; Spastic paraplegia, mental retardation and thin corpus callosum. Identifiers: Orphanet 2822, MedGen C1858479, MONDO:0011445, OMIM 604360.
Charcot-Marie-Tooth disease axonal type 2X. Also called: CHARCOT-MARIE-TOOTH DISEASE, AXONAL, AUTOSOMAL RECESSIVE, TYPE 2X; CHARCOT-MARIE-TOOTH NEUROPATHY, TYPE 2X. Identifiers: Orphanet 466775, MedGen C5569024, MONDO:0014726, OMIM 616668.
Amyotrophic lateral sclerosis type 5 (ALS5). Also called: AMYOTROPHIC LATERAL SCLEROSIS 5, JUVENILE. Identifiers: Orphanet 300605, MedGen C1865864, MONDO:0011196, OMIM 602099.
Inborn genetic diseases. Identifiers: MedGen C0950123, MeSH D030342.
Hereditary spastic paraplegia. Also called: Familial spastic paraparesis. Identifiers: Orphanet 685, MedGen C0037773, MONDO:0019064. Disease mechanism: loss of function.

Allele frequency attached by ClinVar (database versions not stated): ExAC 0.00007; gnomAD 0.00011 and 0.00012; gnomAD exomes 0.00012; 1000 Genomes Project 0.00020; 1000 Genomes Project 30x 0.00031; ESP Exome Variant Server 0.00031; TOPMed 0.00031.
gnomAD v4.1: 128 of 1,614,118 alleles (0.0079%); highest among the groups gnomAD compares: Middle Eastern, 0.083%; no homozygotes.

Submissions (11):

Ambry Genetics
Classification: Uncertain significance for Inborn genetic diseases. Last evaluated: 2025-09-01. Review status: criteria provided, single submitter. Criteria: Ambry Variant Classification Scheme 2023. Collection method: clinical testing. Allele origin: germline.

Women's Health and Genetics/Laboratory Corporation of America, LabCorp
Classification: Uncertain significance. Last evaluated: 2023-05-05. Review status: criteria provided, single submitter. Criteria: LabCorp Variant Classification Summary - May 2015. Collection method: clinical testing. Allele origin: germline.
Comment: Variant summary: SPG11 c.4365G>C (p.Trp1455Cys) results in a non-conservative amino acid change in the encoded protein sequence. Three of five in-silico tools predict a damaging effect of the variant on protein function. The variant allele was found at a frequency of 0.00013 in 251716 control chromosomes (gnomAD, Scarlino_2020). This frequency is not significantly higher than estimated for a pathogenic variant in SPG11 causing Hereditary Spastic Paraplegia, Type 11 (0.00013 vs 0.0011), allowing no conclusion about variant significance. c.4365G>C has been reported in the literature in an individual affected with Amyotrophic Lateral Sclerosis (Sghaier_2022). This report does not provide unequivocal conclusions about association of the variant with Hereditary Spastic Paraplegia, Type 11. To our knowledge, no experimental evidence demonstrating an impact on protein function has been reported. The following publications have been ascertained in the context of this evaluation (PMID: 32397312, 36028943). Four ClinVar submitters have assessed the variant since 2014: all have classified the variant as uncertain significance. Based on the evidence outlined above, the variant was classified as uncertain significance.

GeneDx
Classification: Uncertain significance. Last evaluated: 2023-04-06. Review status: criteria provided, single submitter. Criteria: GeneDx Variant Classification Process June 2021. Collection method: clinical testing. Allele origin: germline. Affected: yes.
Comment: In silico analysis supports that this missense variant does not alter protein structure/function; Has not been previously published as pathogenic or benign to our knowledge

Athena Diagnostics
Classification: Uncertain significance. Last evaluated: 2022-12-15. Review status: criteria provided, single submitter. Criteria: Athena Diagnostics Criteria. Collection method: clinical testing. Allele origin: unknown.
Comment: Available data are insufficient to determine the clinical significance of the variant at this time. The frequency of this variant in the general population is uninformative in assessment of its pathogenicity. Computational tools predict that this variant is not damaging.

Labcorp Genetics (formerly Invitae), Labcorp
Classification: Uncertain significance for Hereditary spastic paraplegia 11. Last evaluated: 2022-08-23. Review status: criteria provided, single submitter. Criteria: Invitae Variant Classification Sherloc (09022015). Collection method: clinical testing. Allele origin: germline.
Comment: This sequence change replaces tryptophan, which is neutral and slightly polar, with cysteine, which is neutral and slightly polar, at codon 1455 of the SPG11 protein (p.Trp1455Cys). This variant is present in population databases (rs138103656, gnomAD 0.05%). This variant has not been reported in the literature in individuals affected with SPG11-related conditions. ClinVar contains an entry for this variant (Variation ID: 566874). Algorithms developed to predict the effect of missense changes on protein structure and function are either unavailable or do not agree on the potential impact of this missense change (SIFT: "Tolerated"; PolyPhen-2: "Probably Damaging"; Align-GVGD: "Class C0"). In summary, the available evidence is currently insufficient to determine the role of this variant in disease. Therefore, it has been classified as a Variant of Uncertain Significance.

Genome Diagnostics Laboratory, The Hospital for Sick Children
Classification: Uncertain significance for Hereditary spastic paraplegia. Last evaluated: 2018-12-01. Review status: criteria provided, single submitter. Criteria: ACMG Guidelines, 2015. Collection method: clinical testing. Allele origin: germline. Affected: yes.

Genome-Nilou Lab
Classification: Uncertain significance for Amyotrophic lateral sclerosis type 5. Review status: criteria provided, single submitter. Criteria: ACMG Guidelines, 2015. Collection method: clinical testing. Allele origin: germline.

Genome-Nilou Lab
Classification: Uncertain significance for Charcot-Marie-Tooth disease axonal type 2X. Review status: criteria provided, single submitter. Criteria: ACMG Guidelines, 2015. Collection method: clinical testing. Allele origin: germline.

Genome-Nilou Lab
Classification: Uncertain significance for Hereditary spastic paraplegia 11. Review status: criteria provided, single submitter. Criteria: ACMG Guidelines, 2015. Collection method: clinical testing. Allele origin: germline.

Clinical Genetics DNA and cytogenetics Diagnostics Lab, Erasmus MC, Erasmus Medical Center
Classification: Likely benign. Review status: no assertion criteria provided. Collection method: clinical testing. Allele origin: germline. Affected: yes. Study: VKGL Data-share Consensus. Not counted in ClinVar's aggregate classification.

Laboratory of Diagnostic Genome Analysis, Leiden University Medical Center (LUMC)
Classification: Likely benign. Review status: no assertion criteria provided. Collection method: clinical testing. Allele origin: germline. Affected: yes. Study: VKGL Data-share Consensus. Not counted in ClinVar's aggregate classification.

Literature cited by the submitters: PubMed 32397312 (cited by Women's Health and Genetics/Laboratory Corporation of America, LabCorp); PubMed 36028943 (cited by Women's Health and Genetics/Laboratory Corporation of America, LabCorp).

NM_025137.4(SPG11):c.4365G>C (p.Trp1455Cys)

Gene: SPG11 (SPG11 vesicle trafficking associated, spatacsin; minus strand). Cytogenetic location: 15q21.1.
Variant type: single nucleotide variant.
Coding change: c.4365G>C on transcript NM_025137.4 (MANE Select); coding-DNA position 4365, G replaced by C.
Protein change: p.Trp1455Cys; replaces tryptophan 1455 with cysteine.
Molecular consequence: missense variant.
Genome position (GRCh38, 1-based): chr15:44,596,152, C>G on the plus strand (G>C on the coding strand, the complement: SPG11 is on the minus strand). VCF-style: chr15-44596152-C-G. GRCh37 (hg19) VCF-style: chr15-44888350-C-G.
Other names: c.4365G>C, p.Trp1455Cys (NM_001160227.2); short protein forms W1455C.
Identifiers: ClinVar variation 566874 (VCV000566874.18), dbSNP rs138103656, ClinGen allele CA7534704.